The following is an entry in ClinVar:

ClinVar aggregate classification (germline): Uncertain significance. Review status: criteria provided, multiple submitters, no conflicts (2 of 4 stars). 2 submissions from 2 submitters: Uncertain significance (2). Last evaluated 2025-07-17.

Conditions:
Primary dilated cardiomyopathy (DCM). Also called: Dilated Cardiomyopathy. Identifiers: Orphanet 217604, MedGen C0007193, MeSH D002311, MONDO:0005021, HP:0001644. Inheritance: Various modes of inheritance.
Cardiomyopathy (CMYO). Also called: Cardiomyopathies. Identifiers: Orphanet 167848, MedGen C0878544, MONDO:0004994, HP:0001638. Inheritance: Various modes of inheritance.

Allele frequency attached by ClinVar (database versions not stated): ExAC 0.00001; gnomAD 0.00002; gnomAD exomes 0.00002; TOPMed 0.00005.
gnomAD v4.1: 100 of 1,612,592 alleles (0.0062%); highest among the groups gnomAD compares: Non-Finnish European, 0.0082%; no homozygotes.

Submissions (2):

Labcorp Genetics (formerly Invitae), Labcorp
Classification: Uncertain significance for Primary dilated cardiomyopathy. Last evaluated: 2025-07-17. Review status: criteria provided, single submitter. Criteria: Invitae Variant Classification Sherloc (09022015). Collection method: clinical testing. Allele origin: germline.
Comment: This sequence change falls in intron 5 of the FHL2 gene. It does not directly change the encoded amino acid sequence of the FHL2 protein. This variant is present in population databases (rs754744445, gnomAD 0.005%). This variant has not been reported in the literature in individuals affected with FHL2-related conditions. ClinVar contains an entry for this variant (Variation ID: 915798). Algorithms developed to predict the effect of sequence changes on RNA splicing suggest that this variant may disrupt the consensus splice site. In summary, the available evidence is currently insufficient to determine the role of this variant in disease. Therefore, it has been classified as a Variant of Uncertain Significance.

CHEO Genetics Diagnostic Laboratory, Children's Hospital of Eastern Ontario
Classification: Uncertain significance for Cardiomyopathy. Last evaluated: 2018-07-25. Review status: criteria provided, single submitter. Criteria: ACMG Guidelines, 2015. Collection method: clinical testing. Allele origin: germline.

NM_001318895.3(FHL2):c.332-6T>A

Genes: C2orf49 (chromosome 2 open reading frame 49; plus strand), FHL2 (four and a half LIM domains 2; minus strand). Cytogenetic location: 2q12.2.
Variant type: single nucleotide variant.
Coding change: c.332-6T>A on transcript NM_001318895.3 (MANE Select); 6 bases into the intron before coding-DNA position 332, T replaced by A.
Molecular consequence: intron variant.
Genome position (GRCh38, 1-based): chr2:105,367,745, A>T on the plus strand (T>A on the coding strand, the complement: FHL2 is on the minus strand). VCF-style: chr2-105367745-A-T. GRCh37 (hg19) VCF-style: chr2-105984202-A-T.
Other names: c.-11-6T>A (NM_001318897.2, NM_001318898.2); c.332-6T>A (NM_001318896.2, NM_001039492.3, NM_001450.4 and 4 more transcripts); c.8-6T>A (NM_001318899.2).
Identifiers: ClinVar variation 915798 (VCV000915798.9), dbSNP rs754744445, ClinGen allele CA1814757.